The following is an entry in ClinVar:

NM_004525.3(LRP2):c.7894A>T (p.Asn2632Tyr)

Gene: LRP2 (LDL receptor related protein 2; minus strand). Cytogenetic location: 2q31.1.
Variant type: single nucleotide variant.
Coding change: c.7894A>T on transcript NM_004525.3 (MANE Select); coding-DNA position 7894, A replaced by T.
Protein change: p.Asn2632Tyr; replaces asparagine 2632 with tyrosine.
Molecular consequence: missense variant.
Genome position (GRCh38, 1-based): chr2:169,204,093, T>A on the plus strand (A>T on the coding strand, the complement: LRP2 is on the minus strand). VCF-style: chr2-169204093-T-A. GRCh37 (hg19) VCF-style: chr2-170060603-T-A.
Other names: short protein forms N2632Y.
Identifiers: ClinVar variation 1403348 (VCV001403348.4), dbSNP rs17848169, ClinGen allele CA1953983.
Genomic context (GRCh38, chr2:169,204,093, plus strand): 5'-TACACTGTTGTTTCTGGTTCTTCACAACAGTGTTGATTCCCCTGGGCTGGGAGAGCAAAT[T>A]TGTGGTCATTGCAATCTGACCTGACCCGTCATATTTGTTAGCTCGGTAAATTCTTTGTGT-3'
Protein context (NP_004516.2, residues 2622-2642): DGSGQIAMTT[Asn2632Tyr]LLSQPRGINT

ClinVar aggregate classification (germline): Uncertain significance (1 of 4 stars; one submission).

gnomAD v4.1: 4 of 1,614,034 alleles (0.00025%); highest among the groups gnomAD compares: East Asian, 0.0022%; no homozygotes.

Submissions (2):

Labcorp Genetics (formerly Invitae), Labcorp
Classification: Uncertain significance. Last evaluated: 2022-01-07. Review status: criteria provided, single submitter. Criteria: Invitae Variant Classification Sherloc (09022015). Collection method: clinical testing. Allele origin: germline.
Comment: This sequence change replaces asparagine, which is neutral and polar, with tyrosine, which is neutral and polar, at codon 2632 of the LRP2 protein (p.Asn2632Tyr). This variant is present in population databases (rs17848169, gnomAD 0.006%). This variant has not been reported in the literature in individuals affected with LRP2-related conditions. Algorithms developed to predict the effect of missense changes on protein structure and function are either unavailable or do not agree on the potential impact of this missense change (SIFT: "Tolerated"; PolyPhen-2: "Possibly Damaging"; Align-GVGD: "Class C0"). In summary, the available evidence is currently insufficient to determine the role of this variant in disease. Therefore, it has been classified as a Variant of Uncertain Significance.

Dr. Peter K. Rogan Lab, Western University
No classification provided (evidence only). Condition: Thyroid cancer, nonmedullary, 1. Review status: no classification provided. Collection method: in vitro. Allele origin: not applicable. Functional consequence: retained intron. Not counted in ClinVar's aggregate classification.